The following is an entry in ClinVar:

NM_144666.3(DNHD1):c.6814G>A (p.Asp2272Asn)

Gene: DNHD1 (dynein heavy chain domain 1; plus strand). Cytogenetic location: 11p15.4.
Variant type: single nucleotide variant.
Coding change: c.6814G>A on transcript NM_144666.3 (MANE Select); coding-DNA position 6814, G replaced by A.
Protein change: p.Asp2272Asn; replaces aspartic acid 2272 with asparagine.
Molecular consequence: missense variant.
Genome position (GRCh38, 1-based): chr11:6,547,949, G>A. VCF-style: chr11-6547949-G-A. GRCh37 (hg19) VCF-style: chr11-6569179-G-A.
Other names: short protein forms D2272N.
Identifiers: ClinVar variation 3064043 (VCV003064043.3), dbSNP rs1022285984, ClinGen allele CA217315445.
Genomic context (GRCh38, chr11:6,547,949, plus strand): 5'-GCCCAAAGCTTCAGGTCTTCAAAAAGCAGCTTTCTAAACCGGTCCCAGGTTGACAGTGAC[G>A]ATGTGCCAGATAAGTGCAGGGAACACTTGCTGGCTGTCAGCAGTTTTCTTTTTGCCTTGA-3'
Protein context (NP_653267.2, residues 2262-2282): FLNRSQVDSD[Asp2272Asn]VPDKCREHLL

ClinVar aggregate classification (germline): Uncertain significance (1 of 4 stars; one submission).

Allele frequency attached by ClinVar (database versions not stated): gnomAD exomes 0.00001; TOPMed 0.00002; gnomAD 0.00003.
gnomAD v4.1: 20 of 1,551,746 alleles (0.0013%); highest among the groups gnomAD compares: African/African-American, 0.0041%; no homozygotes.

Submission:

GeneDx
Classification: Uncertain significance. Last evaluated: 2022-01-11. Review status: criteria provided, single submitter. Criteria: GeneDx Variant Classification Process June 2021. Collection method: clinical testing. Allele origin: germline. Affected: yes.
Comment: Observed with two different DNHD1 variants on the opposite allele (in trans) in a patient referred for clinical exome sequencing; however, detailed clinical information was not provided (Baker et al., 2019); In silico analysis supports that this missense variant does not alter protein structure/function; Variants in candidate genes are classified as variants of uncertain significance in accordance with ACMG guidelines (Richards et al., 2015); This variant is associated with the following publications: (PMID: 30577886)